The following is an entry in ClinVar:

ClinVar aggregate classification (germline): Likely benign (1 of 4 stars; one submission).

Conditions:
NPM1-related disorder. Also called: NPM1-related condition.

gnomAD v4.1: 160 of 1,594,932 alleles (0.01%); highest among the groups gnomAD compares: East Asian, 0.19%; no homozygotes.

Submission:

PreventionGenetics, part of Exact Sciences
Classification: Likely benign for NPM1-related condition. Last evaluated: 2026-09-02. Review status: criteria provided, single submitter. Criteria: ACMG Guidelines, 2015. Collection method: clinical testing. Allele origin: germline.
Comment: This variant is classified as likely benign based on ACMG/AMP sequence variant interpretation guidelines (Richards et al. 2015 PMID: 25741868, with internal and published modifications).

NM_002520.7(NPM1):c.733G>C (p.Glu245Gln)

Gene: NPM1 (nucleophosmin 1; plus strand). Cytogenetic location: 5q35.1.
Variant type: single nucleotide variant.
Coding change: c.733G>C on transcript NM_002520.7 (MANE Select); coding-DNA position 733, G replaced by C.
Protein change: p.Glu245Gln; replaces glutamic acid 245 with glutamine.
Molecular consequence: missense variant. On other transcripts: non-coding transcript variant (1).
Genome position (GRCh38, 1-based): chr5:171,405,365, G>C. VCF-style: chr5-171405365-G-C. GRCh37 (hg19) VCF-style: chr5-170832369-G-C.
Other names: c.733G>C, p.Glu245Gln (NM_001037738.3, NM_001355006.2); c.541G>C, p.Glu181Gln (NM_001355007.2); c.646G>C, p.Glu216Gln (NM_001355009.2, NM_199185.4); c.352G>C, p.Glu118Gln (NM_001355010.2); short protein forms E118Q, E216Q, E181Q, E245Q.
Identifiers: ClinVar variation 4981137 (VCV004981137.1).
Genomic context (GRCh38, chr5:171,405,365, plus strand): 5'-CAAGAATCCTTCAAGAAACAGGAAAAAACTCCTAAAACACCAAAAGGACCTAGTTCTGTA[G>C]AAGACATTAAAGCAAAAATGCAAGCAAGTATAGAAAAAGTGAGTAAAGTTATCTTAAAAA-3'
Protein context (NP_002511.1, residues 235-255): PKTPKGPSSV[Glu245Gln]DIKAKMQASI